The following is an entry in ClinVar:

NM_006854.4(KDELR2):c.309A>G (p.Gly103=)

Gene: KDELR2 (KDEL endoplasmic reticulum protein retention receptor 2; minus strand). Cytogenetic location: 7p22.1.
Variant type: single nucleotide variant.
Coding change: c.309A>G on transcript NM_006854.4 (MANE Select); coding-DNA position 309, A replaced by G.
Protein change: p.Gly103=; no amino-acid change (glycine 103 retained).
Molecular consequence: synonymous variant.
Genome position (GRCh38, 1-based): chr7:6,469,638, T>C on the plus strand (A>G on the coding strand, the complement: KDELR2 is on the minus strand). VCF-style: chr7-6469638-T-C. GRCh37 (hg19) VCF-style: chr7-6509269-T-C.
Other names: c.309A>G, p.Gly103= (NM_001100603.2).
Identifiers: ClinVar variation 3771169 (VCV003771169.13).

ClinVar aggregate classification (germline): Likely benign (1 of 4 stars; one submission).

Submission:

CeGaT Center for Human Genetics Tuebingen
Classification: Likely benign. Last evaluated: 2025-01-01. Review status: criteria provided, single submitter. Criteria: CeGaT Center For Human Genetics Tuebingen Variant Classification Criteria Version 2. Collection method: clinical testing. Allele origin: germline. Affected: yes. Observed: 1 variant allele.
Comment: KDELR2: BP4, BP7